The following is an entry in ClinVar:

NM_016239.4(MYO15A):c.2152T>G (p.Trp718Gly)

Gene: MYO15A (myosin XVA; plus strand). Cytogenetic location: 17p11.2.
Variant type: single nucleotide variant.
Coding change: c.2152T>G on transcript NM_016239.4 (MANE Select); coding-DNA position 2152, T replaced by G.
Protein change: p.Trp718Gly; replaces tryptophan 718 with glycine.
Molecular consequence: missense variant.
Genome position (GRCh38, 1-based): chr17:18,120,952, T>G. VCF-style: chr17-18120952-T-G. GRCh37 (hg19) VCF-style: chr17-18024266-T-G.
Other names: short protein forms W718G.
Identifiers: ClinVar variation 226779 (VCV000226779.39), dbSNP rs2955367, ClinGen allele CA8423230.

ClinVar aggregate classification (germline): Benign/Likely benign. Review status: criteria provided, multiple submitters, no conflicts (2 of 4 stars). 14 submissions from 14 submitters: Benign (10); Likely benign (1). 3 of the submissions do not count toward it. Last evaluated 2026-02-04.

Conditions:
Autosomal recessive nonsyndromic hearing loss 3. Also called: NEUROSENSORY NONSYNDROMIC RECESSIVE DEAFNESS 3. Identifiers: Orphanet 90636, MedGen C1838263, MONDO:0010860, OMIM 600316.

Allele frequency attached by ClinVar (database versions not stated): gnomAD 0.34123 and 0.35755; TOPMed 0.35123; 1000 Genomes Project 30x 0.48641; 1000 Genomes Project 0.49601.
gnomAD v4.1: 513,471 of 1,479,028 alleles (35%); highest among the groups gnomAD compares: South Asian, 70%; 97,834 homozygotes.

Submissions (14):

Labcorp Genetics (formerly Invitae), Labcorp
Classification: Benign. Last evaluated: 2026-02-04. Review status: criteria provided, single submitter. Criteria: Invitae Variant Classification Sherloc (09022015). Collection method: clinical testing. Allele origin: germline.

Women's Health and Genetics/Laboratory Corporation of America, LabCorp
Classification: Likely benign. Last evaluated: 2026-01-08. Review status: criteria provided, single submitter. Criteria: LabCorp Variant Classification Summary - May 2015. Collection method: clinical testing. Allele origin: germline.

ARUP Laboratories, Molecular Genetics and Genomics, ARUP Laboratories
Classification: Benign for Autosomal recessive nonsyndromic hearing loss 3. Last evaluated: 2023-11-29. Review status: criteria provided, single submitter. Criteria: ARUP Molecular Germline Variant Investigation Process 2024. Collection method: clinical testing. Allele origin: germline.

Genome-Nilou Lab
Classification: Benign for Autosomal recessive nonsyndromic hearing loss 3. Last evaluated: 2021-09-05. Review status: criteria provided, single submitter. Criteria: ACMG Guidelines, 2015. Collection method: clinical testing. Allele origin: germline. Affected: no.

Mayo Clinic Laboratories, Mayo Clinic
Classification: Benign. Last evaluated: 2020-08-26. Review status: criteria provided, single submitter. Criteria: ACMG Guidelines, 2015. Collection method: clinical testing. Allele origin: germline. Observed: 100 variant alleles.

Illumina Laboratory Services, Illumina
Classification: Benign for Autosomal recessive nonsyndromic hearing loss 3. Last evaluated: 2018-01-12. Review status: criteria provided, single submitter. Criteria: ICSL Variant Classification Criteria 13 December 2019. Collection method: clinical testing. Allele origin: germline.
Comment: This variant was observed in the ICSL laboratory as part of a predisposition screen in an ostensibly healthy population. It had not been previously curated by ICSL or reported in the Human Gene Mutation Database (HGMD: prior to June 1st, 2018), and was therefore a candidate for classification through an automated scoring system. Utilizing variant allele frequency, disease prevalence and penetrance estimates, and inheritance mode, an automated score was calculated to assess if this variant is too frequent to cause the disease. Based on the score and internal cut-off values, a variant classified as benign is not then subjected to further curation. The score for this variant resulted in a classification of benign for this disease.

GeneDx
Classification: Benign. Last evaluated: 2017-05-09. Review status: criteria provided, single submitter. Criteria: GeneDx Variant Classification (06012015). Collection method: clinical testing. Allele origin: germline. Affected: yes.
Comment: This variant is considered likely benign or benign based on one or more of the following criteria: it is a conservative change, it occurs at a poorly conserved position in the protein, it is predicted to be benign by multiple in silico algorithms, and/or has population frequency not consistent with disease.

Eurofins Ntd Llc (ga)
Classification: Benign. Last evaluated: 2017-05-01. Review status: criteria provided, single submitter. Criteria: EGL Classification Definitions 2015. Collection method: clinical testing. Allele origin: germline. Observed: 15 variant alleles, 12 heterozygotes, 3 homozygotes.

Laboratory for Molecular Medicine, Mass General Brigham Personalized Medicine
Classification: Benign. Last evaluated: 2012-05-07. Review status: criteria provided, single submitter. Criteria: LMM Criteria. Collection method: clinical testing. Allele origin: germline. Observed: 47 variant alleles.
Comment: Trp718Gly in Exon 02 of MYO15A: This variant is not expected to have clinical si gnificance because it has been identified in 17.8% (619/3482) of European Americ an chromosomes from a broad population by the NHLBI Exome Sequencing Project (dbSNP rs2955367).

Breakthrough Genomics
Classification: Benign. Review status: criteria provided, single submitter. Criteria: ACMG Guidelines, 2015. Collection method: not provided. Allele origin: germline. Inheritance: Autosomal recessive inheritance. Affected: yes.

PreventionGenetics, part of Exact Sciences
Classification: Benign. Review status: criteria provided, single submitter. Criteria: ACMG Guidelines, 2015. Collection method: clinical testing. Allele origin: germline.

Clinical Genetics DNA and cytogenetics Diagnostics Lab, Erasmus MC, Erasmus Medical Center
Classification: Benign. Review status: no assertion criteria provided. Collection method: clinical testing. Allele origin: germline. Affected: yes. Study: VKGL Data-share Consensus. Not counted in ClinVar's aggregate classification.

Diagnostic Laboratory, Department of Genetics, University Medical Center Groningen
Classification: Benign for Autosomal recessive nonsyndromic hearing loss 3. Review status: no assertion criteria provided. Collection method: clinical testing. Allele origin: germline. Affected: yes. Study: VKGL Data-share Consensus. Not counted in ClinVar's aggregate classification.

Joint Genome Diagnostic Labs from Nijmegen and Maastricht, Radboudumc and MUMC+
Classification: Benign. Review status: no assertion criteria provided. Collection method: clinical testing. Allele origin: germline. Affected: yes. Study: VKGL Data-share Consensus. Not counted in ClinVar's aggregate classification.